The following is an entry in ClinVar:

ClinVar aggregate classification (germline): Uncertain significance (1 of 4 stars; one submission).

Allele frequency attached by ClinVar (database versions not stated): gnomAD exomes below 0.00001; TOPMed below 0.00001.
gnomAD v4.1: 1 of 1,613,988 alleles (0.000062%); highest among the groups gnomAD compares: Non-Finnish European, 0.000085%; no homozygotes.

Submission:

Labcorp Genetics (formerly Invitae), Labcorp
Classification: Uncertain significance. Last evaluated: 2021-06-11. Review status: criteria provided, single submitter. Criteria: Invitae Variant Classification Sherloc (09022015). Collection method: clinical testing. Allele origin: germline.
Comment: In summary, the available evidence is currently insufficient to determine the role of this variant in disease. Therefore, it has been classified as a Variant of Uncertain Significance. This sequence change replaces threonine with alanine at codon 1098 of the A2ML1 protein (p.Thr1098Ala). The threonine residue is highly conserved and there is a small physicochemical difference between threonine and alanine. This variant is not present in population databases (ExAC no frequency). This variant has not been reported in the literature in individuals with A2ML1-related conditions. Algorithms developed to predict the effect of missense changes on protein structure and function output the following: SIFT: "Deleterious"; PolyPhen-2: "Benign"; Align-GVGD: "Class C0". The alanine amino acid residue is found in multiple mammalian species, suggesting that this missense change does not adversely affect protein function. These predictions have not been confirmed by published functional studies and their clinical significance is uncertain.

NM_144670.6(A2ML1):c.3292A>G (p.Thr1098Ala)

Gene: A2ML1 (alpha-2-macroglobulin like 1; plus strand). Cytogenetic location: 12p13.31.
Variant type: single nucleotide variant.
Coding change: c.3292A>G on transcript NM_144670.6 (MANE Select); coding-DNA position 3292, A replaced by G.
Protein change: p.Thr1098Ala; replaces threonine 1098 with alanine.
Molecular consequence: missense variant.
Genome position (GRCh38, 1-based): chr12:8,860,908, A>G. VCF-style: chr12-8860908-A-G. GRCh37 (hg19) VCF-style: chr12-9013504-A-G.
Other names: c.1819A>G, p.Thr607Ala (NM_001282424.3); short protein forms T607A, T1098A.
Identifiers: ClinVar variation 1472311 (VCV001472311.8), dbSNP rs1944236841, ClinGen allele CA383840177.
Genomic context (GRCh38, chr12:8,860,908, plus strand): 5'-GCCCTGACTCACTGCCTCCCTGTTTGCCTCTAGGGTGGTGTTGATGATGAGGTCTCCTTG[A>G]CTGCGTATGTCACAGCTGCATTGCTGGAGATGGGAAAGGATGTAGATGTAAGTTCTCCTG-3'
Protein context (NP_653271.3, residues 1088-1108): KGGVDDEVSL[Thr1098Ala]AYVTAALLEM